The following is an entry in ClinVar:

NM_005901.6(SMAD2):c.1163A>G (p.Gln388Arg)

Gene: SMAD2 (SMAD family member 2; minus strand). Cytogenetic location: 18q21.1.
Variant type: single nucleotide variant.
Coding change: c.1163A>G on transcript NM_005901.6 (MANE Select); coding-DNA position 1163, A replaced by G.
Protein change: p.Gln388Arg; replaces glutamine 388 with arginine.
Molecular consequence: missense variant.
Genome position (GRCh38, 1-based): chr18:47,845,457, T>C on the plus strand (A>G on the coding strand, the complement: SMAD2 is on the minus strand). VCF-style: chr18-47845457-T-C. GRCh37 (hg19) VCF-style: chr18-45371828-T-C.
Other names: c.1163A>G (NM_005901.5); c.1163A>G, p.Gln388Arg (NM_001003652.4); c.1073A>G, p.Gln358Arg (NM_001135937.3); short protein forms Q388R, Q358R.
Identifiers: ClinVar variation 1327533 (VCV001327533.5), dbSNP rs746828424, ClinGen allele CA8956060.

ClinVar aggregate classification (germline): Uncertain significance. Review status: criteria provided, multiple submitters, no conflicts (2 of 4 stars). 3 submissions from 3 submitters: Uncertain significance (2). 1 of the submissions does not count toward it. Last evaluated 2025-09-22.

Conditions:
Loeys-Dietz syndrome 6. Identifiers: MedGen C5562041, MONDO:0030500, OMIM 619656.

Allele frequency attached by ClinVar (database versions not stated): TOPMed 0.00001; gnomAD exomes 0.00002 and below 0.00001; ExAC 0.00001.
gnomAD v4.1: 23 of 1,613,804 alleles (0.0014%); highest among the groups gnomAD compares: Non-Finnish European, 0.0019%; no homozygotes.

Submissions (3):

Labcorp Genetics (formerly Invitae), Labcorp
Classification: Uncertain significance. Last evaluated: 2025-09-22. Review status: criteria provided, single submitter. Criteria: Invitae Variant Classification Sherloc (09022015). Collection method: clinical testing. Allele origin: germline.
Comment: This sequence change replaces glutamine, which is neutral and polar, with arginine, which is basic and polar, at codon 388 of the SMAD2 protein (p.Gln388Arg). This variant is present in population databases (rs746828424, gnomAD 0.0009%). This missense change has been observed in individual(s) with clinical features of Loeys Dietz syndrome (PMID: 26247899). ClinVar contains an entry for this variant (Variation ID: 1327533). Invitae Evidence Modeling of protein sequence and biophysical properties (such as structural, functional, and spatial information, amino acid conservation, physicochemical variation, residue mobility, and thermodynamic stability) indicates that this missense variant is not expected to disrupt SMAD2 protein function with a negative predictive value of 80%. In summary, the available evidence is currently insufficient to determine the role of this variant in disease. Therefore, it has been classified as a Variant of Uncertain Significance.

GeneDx
Classification: Uncertain significance. Last evaluated: 2023-11-06. Review status: criteria provided, single submitter. Criteria: GeneDx Variant Classification Process June 2021. Collection method: clinical testing. Allele origin: germline. Affected: yes.
Comment: Has been reported in individuals with TAAD or SMAD2-related disorders (PMID: 26247899, 29392890); Not observed at significant frequency in large population cohorts (gnomAD); In silico analysis supports that this missense variant has a deleterious effect on protein structure/function; This variant is associated with the following publications: (PMID: 26247899, 29392890)

OMIM
Classification: Pathogenic for LOEYS-DIETZ SYNDROME 6. Last evaluated: 2021-12-10. Review status: no assertion criteria provided. Collection method: literature only. Allele origin: germline. Not counted in ClinVar's aggregate classification.

Literature cited by the submitters: PubMed 26247899 (cited by Labcorp Genetics (formerly Invitae), Labcorp and OMIM).